The following is an entry in ClinVar:

NM_000271.5(NPC1):c.1610T>C (p.Phe537Ser)

Gene: NPC1 (NPC intracellular cholesterol transporter 1; minus strand). Cytogenetic location: 18q11.2.
Variant type: single nucleotide variant.
Coding change: c.1610T>C on transcript NM_000271.5 (MANE Select); coding-DNA position 1610, T replaced by C.
Protein change: p.Phe537Ser; replaces phenylalanine 537 with serine.
Molecular consequence: missense variant.
Genome position (GRCh38, 1-based): chr18:23,551,671, A>G on the plus strand (T>C on the coding strand, the complement: NPC1 is on the minus strand). VCF-style: chr18-23551671-A-G. GRCh37 (hg19) VCF-style: chr18-21131635-A-G.
Other names: short protein forms F537S.
Identifiers: ClinVar variation 813913 (VCV000813913.1), dbSNP rs747310316, ClinGen allele CA8913416.

ClinVar aggregate classification (germline): Uncertain significance (1 of 4 stars; one submission).

Conditions:
Niemann-Pick disease, type C1. Also called: NIEMANN-PICK DISEASE, VARIANT TYPE C1; NEUROVISCERAL STORAGE DISEASE WITH VERTICAL SUPRANUCLEAR OPHTHALMOPLEGIA; NIEMANN-PICK DISEASE WITH CHOLESTEROL ESTERIFICATION BLOCK; NIEMANN-PICK DISEASE WITHOUT SPHINGOMYELINASE DEFICIENCY; NIEMANN-PICK DISEASE, CHRONIC NEURONOPATHIC FORM. Identifiers: Orphanet 646, MedGen C3179455, MONDO:0009757, OMIM 257220.

Allele frequency attached by ClinVar (database versions not stated): ExAC 0.00001; gnomAD exomes 0.00001.
gnomAD v4.1: 3 of 1,614,228 alleles (0.00019%); highest among the groups gnomAD compares: South Asian, 0.0022%; no homozygotes.

Submission:

Broad Center for Mendelian Genomics, Broad Institute of MIT and Harvard
Classification: Uncertain significance for Niemann-Pick disease, type C1. Last evaluated: 2018-12-03. Review status: criteria provided, single submitter. Criteria: ACMG Guidelines, 2015. Collection method: research. Allele origin: germline. Inheritance: Autosomal recessive inheritance. Affected: yes.
Comment: The p.Phe537Ser variant in NPC1 has not been previously reported in individuals with Niemann-Pick disease but has been identified in 0.003249% (1/30778) of South Asian chromosomes by the Genome Aggregation Database (gnomAD; dbSNP rs747310316). Although this variant has been seen in the general population, its frequency is low enough to be consistent with a recessive carrier frequency. Computational prediction tools and conservation analyses suggest that this variant may impact the protein, though this information is not predictive enough to determine pathogenicity. This missense variant affects the same residue as a variant reported in association with one individual with Niemann-Pick disease in the literature, p.Phe537Leu, slightly supporting that a change at this residue may not be tolerated (PMID: 16126423). In summary, the clinical significance of the p.Phe537Ser variant is uncertain. ACMG/AMP Criteria applied: PM2, PP3, PM5_Supporting (Richards 2015).

Literature cited by the submitters: PubMed 16126423.